The following is an entry in ClinVar:

ClinVar aggregate classification (germline): Uncertain significance (1 of 4 stars; one submission).

Conditions:
MOGS-congenital disorder of glycosylation. Also called: GLUCOSIDASE I DEFICIENCY; MOGS-CDG; CDG IIb; CDG 2B. Identifiers: Orphanet 79330, MedGen C1853736, MONDO:0011629, OMIM 606056.

Allele frequency attached by ClinVar (database versions not stated): gnomAD exomes below 0.00001.
gnomAD v4.1: 1 of 1,534,560 alleles (0.000065%); highest among the groups gnomAD compares: Middle Eastern, 0.017%; no homozygotes.

Submission:

Labcorp Genetics (formerly Invitae), Labcorp
Classification: Uncertain significance for Congenital disorder of glycosylation type 2B. Last evaluated: 2019-12-15. Review status: criteria provided, single submitter. Criteria: Invitae Variant Classification Sherloc (09022015). Collection method: clinical testing. Allele origin: germline.
Comment: This sequence change replaces serine with asparagine at codon 39 of the MOGS protein (p.Ser39Asn). The serine residue is weakly conserved and there is a small physicochemical difference between serine and asparagine. The frequency data for this variant in the population databases is considered unreliable, as metrics indicate insufficient coverage at this position in the ExAC database. This variant has not been reported in the literature in individuals with MOGS-related conditions. Algorithms developed to predict the effect of missense changes on protein structure and function (SIFT, PolyPhen-2, Align-GVGD) all suggest that this variant is likely to be tolerated, but these predictions have not been confirmed by published functional studies and their clinical significance is uncertain. In summary, the available evidence is currently insufficient to determine the role of this variant in disease. Therefore, it has been classified as a Variant of Uncertain Significance.

NM_006302.3(MOGS):c.116G>A (p.Ser39Asn)

Genes: MOGS (mannosyl-oligosaccharide glucosidase; minus strand), LOC129934128 (ATAC-STARR-seq lymphoblastoid silent region 11664; plus strand). Cytogenetic location: 2p13.1.
Variant type: single nucleotide variant.
Coding change: c.116G>A on transcript NM_006302.3 (MANE Select); coding-DNA position 116, G replaced by A.
Protein change: p.Ser39Asn; replaces serine 39 with asparagine.
Molecular consequence: missense variant. On other transcripts: intron variant (1).
Genome position (GRCh38, 1-based): chr2:74,465,132, C>T on the plus strand (G>A on the coding strand, the complement: MOGS is on the minus strand). VCF-style: chr2-74465132-C-T. GRCh37 (hg19) VCF-style: chr2-74692259-C-T.
Other names: c.-58-145G>A (NM_001146158.2); short protein forms S39N.
Identifiers: ClinVar variation 864617 (VCV000864617.1), dbSNP rs1672032262, ClinGen allele CA347383437.